The following is an entry in ClinVar:

NM_005591.4(MRE11):c.526A>G (p.Ile176Val)

Gene: MRE11 (MRE11 double strand break repair nuclease; minus strand). Cytogenetic location: 11q21.
Variant type: single nucleotide variant.
Coding change: c.526A>G on transcript NM_005591.4 (MANE Select); coding-DNA position 526, A replaced by G.
Protein change: p.Ile176Val; replaces isoleucine 176 with valine.
Molecular consequence: missense variant.
Genome position (GRCh38, 1-based): chr11:94,478,753, T>C on the plus strand (A>G on the coding strand, the complement: MRE11 is on the minus strand). VCF-style: chr11-94478753-T-C. GRCh37 (hg19) VCF-style: chr11-94211919-T-C.
Other names: c.526A>G, p.Ile176Val (NM_001330347.2, NM_005590.4); short protein forms I176V.
Identifiers: ClinVar variation 141349 (VCV000141349.11), dbSNP rs587781676, ClinGen allele CA165176.
Genomic context (GRCh38, chr11:94,478,753, plus strand): 5'-GAATCACACATGGACATAAACAGTAAAATAAAACTGTCTTACCTAAACCATATAGCGCAA[T>C]CTTTGTGCTTCCTTTTTGAAGCAAAACCGGACTAATGTCTATCTTCTCCACAGACATTGA-3'
Protein context (NP_005582.1, residues 166-186): PVLLQKGSTK[Ile176Val]ALYGLGSIPD

ClinVar aggregate classification (germline): Conflicting classifications of pathogenicity. Review status: criteria provided, conflicting classifications (1 of 4 stars). 3 submissions from 3 submitters: Uncertain significance (2); Likely benign (1). Last evaluated 2024-04-13.

Conditions:
Ataxia-telangiectasia-like disorder (ATLD). Identifiers: MedGen C1858391, MONDO:0011457.
Hereditary cancer-predisposing syndrome. Also called: Neoplastic Syndromes, Hereditary; Tumor predisposition; Hereditary Cancer Syndrome; Hereditary neoplastic syndrome. Identifiers: Orphanet 140162, MedGen C0027672, MeSH D009386, MONDO:0015356.

Allele frequency attached by ClinVar (database versions not stated): gnomAD 0.00001; TOPMed 0.00001.
gnomAD v4.1: 20 of 1,612,756 alleles (0.0012%); highest among the groups gnomAD compares: Non-Finnish European, 0.00093%; no homozygotes.

Submissions (3):

Labcorp Genetics (formerly Invitae), Labcorp
Classification: Uncertain significance for Ataxia-telangiectasia-like disorder. Last evaluated: 2024-04-13. Review status: criteria provided, single submitter. Criteria: Invitae Variant Classification Sherloc (09022015). Collection method: clinical testing. Allele origin: germline.
Comment: This sequence change replaces isoleucine, which is neutral and non-polar, with valine, which is neutral and non-polar, at codon 176 of the MRE11 protein (p.Ile176Val). This variant is present in population databases (rs587781676, gnomAD 0.04%). This variant has not been reported in the literature in individuals affected with MRE11-related conditions. ClinVar contains an entry for this variant (Variation ID: 141349). Algorithms developed to predict the effect of missense changes on protein structure and function output the following: SIFT: "Not Available"; PolyPhen-2: "Benign"; Align-GVGD: "Not Available". The valine amino acid residue is found in multiple mammalian species, which suggests that this missense change does not adversely affect protein function. In summary, the available evidence is currently insufficient to determine the role of this variant in disease. Therefore, it has been classified as a Variant of Uncertain Significance.

Ambry Genetics
Classification: Likely benign for Hereditary cancer-predisposing syndrome. Last evaluated: 2024-02-29. Review status: criteria provided, single submitter. Criteria: Ambry Variant Classification Scheme 2023. Collection method: clinical testing. Allele origin: germline.

GeneKor MSA
Classification: Uncertain significance for Hereditary cancer-predisposing syndrome. Last evaluated: 2018-08-01. Review status: criteria provided, single submitter. Criteria: ACMG Guidelines, 2015. Collection method: clinical testing. Allele origin: germline. Affected: yes.

Literature cited by the submitters: PubMed 31159747 (cited by Ambry Genetics); PubMed 33471991 (cited by Ambry Genetics).